The following is an entry in ClinVar:

NM_016239.4(MYO15A):c.8088+5C>G

Gene: MYO15A (myosin XVA; plus strand). Cytogenetic location: 17p11.2.
Variant type: single nucleotide variant.
Coding change: c.8088+5C>G on transcript NM_016239.4 (MANE Select); 5 bases into the intron after coding-DNA position 8088, C replaced by G.
Molecular consequence: intron variant.
Genome position (GRCh38, 1-based): chr17:18,153,901, C>G. VCF-style: chr17-18153901-C-G. GRCh37 (hg19) VCF-style: chr17-18057215-C-G.
Identifiers: ClinVar variation 226789 (VCV000226789.25), dbSNP rs9916193, ClinGen allele CA8425014.

ClinVar aggregate classification (germline): Benign. Review status: criteria provided, multiple submitters, no conflicts (2 of 4 stars). 10 submissions from 10 submitters: Benign (8). 2 of the submissions do not count toward it. Last evaluated 2026-02-04.

Conditions:
Autosomal recessive nonsyndromic hearing loss 3. Also called: NEUROSENSORY NONSYNDROMIC RECESSIVE DEAFNESS 3. Identifiers: Orphanet 90636, MedGen C1838263, MONDO:0010860, OMIM 600316.

Allele frequency attached by ClinVar (database versions not stated): 1000 Genomes Project 0.21026; 1000 Genomes Project 30x 0.21908; TOPMed 0.24984; ESP Exome Variant Server 0.25743.
gnomAD v4.1: 324,138 of 1,613,094 alleles (20%); highest among the groups gnomAD compares: African/African-American, 37%; 35,467 homozygotes.

Submissions (10):

Labcorp Genetics (formerly Invitae), Labcorp
Classification: Benign. Last evaluated: 2026-02-04. Review status: criteria provided, single submitter. Criteria: Invitae Variant Classification Sherloc (09022015). Collection method: clinical testing. Allele origin: germline.

Genome-Nilou Lab
Classification: Benign for Autosomal recessive nonsyndromic hearing loss 3. Last evaluated: 2021-09-05. Review status: criteria provided, single submitter. Criteria: ACMG Guidelines, 2015. Collection method: clinical testing. Allele origin: germline. Affected: no.

Mayo Clinic Laboratories, Mayo Clinic
Classification: Benign. Last evaluated: 2020-10-20. Review status: criteria provided, single submitter. Criteria: ACMG Guidelines, 2015. Collection method: clinical testing. Allele origin: germline. Observed: 59 variant alleles.

Illumina Laboratory Services, Illumina
Classification: Benign for Autosomal recessive nonsyndromic hearing loss 3. Last evaluated: 2018-01-12. Review status: criteria provided, single submitter. Criteria: ICSL Variant Classification Criteria 13 December 2019. Collection method: clinical testing. Allele origin: germline.
Comment: This variant was observed in the ICSL laboratory as part of a predisposition screen in an ostensibly healthy population. It had not been previously curated by ICSL or reported in the Human Gene Mutation Database (HGMD: prior to June 1st, 2018), and was therefore a candidate for classification through an automated scoring system. Utilizing variant allele frequency, disease prevalence and penetrance estimates, and inheritance mode, an automated score was calculated to assess if this variant is too frequent to cause the disease. Based on the score and internal cut-off values, a variant classified as benign is not then subjected to further curation. The score for this variant resulted in a classification of benign for this disease.

GeneDx
Classification: Benign. Last evaluated: 2017-05-09. Review status: criteria provided, single submitter. Criteria: GeneDx Variant Classification (06012015). Collection method: clinical testing. Allele origin: germline. Affected: yes.
Comment: This variant is considered likely benign or benign based on one or more of the following criteria: it is a conservative change, it occurs at a poorly conserved position in the protein, it is predicted to be benign by multiple in silico algorithms, and/or has population frequency not consistent with disease.

Laboratory for Molecular Medicine, Mass General Brigham Personalized Medicine
Classification: Benign. Last evaluated: 2012-05-07. Review status: criteria provided, single submitter. Criteria: LMM Criteria. Collection method: clinical testing. Allele origin: germline. Observed: 372 variant alleles.
Comment: 8088+5C>G in Intron 43 of MYO15A: This variant is not expected to have clinical significance because it has been identified in 34.7% (1048/3018) of African Amer ican chromosomes from a broad population by the NHLBI Exome Sequencing Project (dbSNP rs9916193).

Breakthrough Genomics
Classification: Benign. Review status: criteria provided, single submitter. Criteria: ACMG Guidelines, 2015. Collection method: not provided. Allele origin: germline. Inheritance: Autosomal recessive inheritance. Affected: yes.

PreventionGenetics, part of Exact Sciences
Classification: Benign. Review status: criteria provided, single submitter. Criteria: ACMG Guidelines, 2015. Collection method: clinical testing. Allele origin: germline.

Diagnostic Laboratory, Department of Genetics, University Medical Center Groningen
Classification: Benign. Review status: no assertion criteria provided. Collection method: clinical testing. Allele origin: germline. Affected: yes. Study: VKGL Data-share Consensus. Not counted in ClinVar's aggregate classification.

Joint Genome Diagnostic Labs from Nijmegen and Maastricht, Radboudumc and MUMC+
Classification: Benign. Review status: no assertion criteria provided. Collection method: clinical testing. Allele origin: germline. Affected: yes. Study: VKGL Data-share Consensus. Not counted in ClinVar's aggregate classification.